The following is an entry in ClinVar:

NM_001369.3(DNAH5):c.9019A>T (p.Lys3007Ter)

Gene: DNAH5 (dynein axonemal heavy chain 5; minus strand). Cytogenetic location: 5p15.2.
Variant type: single nucleotide variant.
Coding change: c.9019A>T on transcript NM_001369.3 (MANE Select); coding-DNA position 9019, A replaced by T.
Protein change: p.Lys3007Ter; replaces lysine 3007 with a stop codon.
Molecular consequence: nonsense.
Genome position (GRCh38, 1-based): chr5:13,777,288, T>A on the plus strand (A>T on the coding strand, the complement: DNAH5 is on the minus strand). VCF-style: chr5-13777288-T-A. GRCh37 (hg19) VCF-style: chr5-13777397-T-A.
Other names: short protein forms K3007*.
Identifiers: ClinVar variation 2810874 (VCV002810874.3), dbSNP rs1754239306, ClinGen allele CA359210946.
Genomic context (GRCh38, chr5:13,777,288, plus strand): 5'-TATATTCCAAAAATGACTCATCTTTAATCTCATTGTCTGTGAAAATAAAAGTGATTCCTT[T>A]GCCTTGCTGACCAGCTGTTCGATACAAAACCTTCAGATCTTCCATCAGATTTGATGTGTT-3'

ClinVar aggregate classification (germline): Pathogenic (1 of 4 stars; one submission).

Conditions:
Primary ciliary dyskinesia. Also called: Ciliary dyskinesia. Identifiers: Orphanet 244, MedGen C0008780, MONDO:0016575, HP:0012265.

gnomAD v4.1: 2 of 1,613,464 alleles (0.00012%); highest among the groups gnomAD compares: East Asian, 0.0045%; no homozygotes.

Submission:

Labcorp Genetics (formerly Invitae), Labcorp
Classification: Pathogenic for Primary ciliary dyskinesia. Last evaluated: 2022-10-30. Review status: criteria provided, single submitter. Criteria: Invitae Variant Classification Sherloc (09022015). Collection method: clinical testing. Allele origin: germline.
Comment: This variant is not present in population databases (gnomAD no frequency). This sequence change creates a premature translational stop signal (p.Lys3007*) in the DNAH5 gene. It is expected to result in an absent or disrupted protein product. Loss-of-function variants in DNAH5 are known to be pathogenic (PMID: 11788826, 16627867). This variant has not been reported in the literature in individuals affected with DNAH5-related conditions. For these reasons, this variant has been classified as Pathogenic.

Literature cited by the submitters: PubMed 11788826; PubMed 16627867.